The following is an entry in ClinVar:

ClinVar aggregate classification (germline): Uncertain significance (1 of 4 stars; one submission).

Allele frequency attached by ClinVar (database versions not stated): gnomAD 0.00001; TOPMed 0.00001.
gnomAD v4.1: 5 of 1,614,092 alleles (0.00031%); highest among the groups gnomAD compares: East Asian, 0.0045%; no homozygotes.

Submission:

Labcorp Genetics (formerly Invitae), Labcorp
Classification: Uncertain significance. Last evaluated: 2022-07-20. Review status: criteria provided, single submitter. Criteria: Invitae Variant Classification Sherloc (09022015). Collection method: clinical testing. Allele origin: germline.
Comment: In summary, the available evidence is currently insufficient to determine the role of this variant in disease. Therefore, it has been classified as a Variant of Uncertain Significance. Algorithms developed to predict the effect of missense changes on protein structure and function are either unavailable or do not agree on the potential impact of this missense change (SIFT: "Deleterious"; PolyPhen-2: "Probably Damaging"; Align-GVGD: "Class C0"). This variant has not been reported in the literature in individuals affected with ARFGEF2-related conditions. This variant is present in population databases (rs756248801, gnomAD 0.006%). This sequence change replaces phenylalanine, which is neutral and non-polar, with leucine, which is neutral and non-polar, at codon 378 of the ARFGEF2 protein (p.Phe378Leu).

NM_006420.3(ARFGEF2):c.1134C>G (p.Phe378Leu)

Gene: ARFGEF2 (ARF guanine nucleotide exchange factor 2; plus strand). Cytogenetic location: 20q13.13.
Variant type: single nucleotide variant.
Coding change: c.1134C>G on transcript NM_006420.3 (MANE Select); coding-DNA position 1134, C replaced by G.
Protein change: p.Phe378Leu; replaces phenylalanine 378 with leucine.
Molecular consequence: missense variant.
Genome position (GRCh38, 1-based): chr20:48,969,221, C>G. VCF-style: chr20-48969221-C-G. GRCh37 (hg19) VCF-style: chr20-47585758-C-G.
Other names: c.1131C>G, p.Phe377Leu (NM_001410846.1); short protein forms F377L, F378L.
Identifiers: ClinVar variation 2139555 (VCV002139555.4), dbSNP rs756248801, ClinGen allele CA315912021.